The following is an entry in ClinVar:

ClinVar aggregate classification (germline): Uncertain significance (1 of 4 stars; one submission).

Submission:

GeneDx
Classification: Uncertain significance. Last evaluated: 2017-12-06. Review status: criteria provided, single submitter. Criteria: GeneDx Variant Classification (06012015). Collection method: clinical testing. Allele origin: germline. Affected: yes.
Comment: The c.680-3C>A variant in the SLC2A1 gene has not been reported previously as a pathogenic variant nor as a benign variant, to our knowledge. This splice site variant destroys the natural splice acceptor site in intron 5, and is expected to cause abnormal gene splicing. However, in the absence of RNA/functional studies, the actual effect of the c.680-3C>A variant is unknown. The c.680-3C>A variant is not observed in large population cohorts (Lek et al., 2016). We interpret c.680-3C>A as a variant of uncertain significance.

NM_006516.4(SLC2A1):c.680-3C>A

Gene: SLC2A1 (solute carrier family 2 member 1; minus strand). Cytogenetic location: 1p34.2.
Variant type: single nucleotide variant.
Coding change: c.680-3C>A on transcript NM_006516.4 (MANE Select); 3 bases into the intron before coding-DNA position 680, C replaced by A.
Molecular consequence: intron variant.
Genome position (GRCh38, 1-based): chr1:42,929,783, G>T on the plus strand (C>A on the coding strand, the complement: SLC2A1 is on the minus strand). VCF-style: chr1-42929783-G-T. GRCh37 (hg19) VCF-style: chr1-43395454-G-T.
Identifiers: ClinVar variation 489205 (VCV000489205.2), dbSNP rs112081052, ClinGen allele CA658683136.
Genomic context (GRCh38, chr1:42,929,783, plus strand): 5'-TCCTTCATCTCCTGCAGGTCATGGGTCACGTCAGCTGTCCCGCGCAGCTTCTTTAGCACT[G>T]GGGGGACCGGAGGGAAGGTGAGGGTGGCTCAGAGTGGGAAGAAGGCCAGGGCTCAGGGAG-3'